The following is an entry in ClinVar:

ClinVar aggregate classification (germline): Uncertain significance (1 of 4 stars; one submission).

Submission:

Ambry Genetics
Classification: Uncertain significance. Last evaluated: 2023-09-15. Review status: criteria provided, single submitter. Criteria: Ambry Variant Classification Scheme 2023. Collection method: clinical testing. Allele origin: germline.
Comment: The p.S981I variant (also known as c.2942G>T), located in coding exon 15 of the NPAT gene, results from a G to T substitution at nucleotide position 2942. The serine at codon 981 is replaced by isoleucine, an amino acid with dissimilar properties. This amino acid position is conserved. In addition, this alteration is predicted to be tolerated by in silico analysis. Since supporting evidence is limited at this time, the clinical significance of this alteration remains unclear.

NM_002519.3(NPAT):c.2942G>T (p.Ser981Ile)

Gene: NPAT (nuclear protein, coactivator of histone transcription; minus strand). Cytogenetic location: 11q22.3.
Variant type: single nucleotide variant.
Coding change: c.2942G>T on transcript NM_002519.3 (MANE Select); coding-DNA position 2942, G replaced by T.
Protein change: p.Ser981Ile; replaces serine 981 with isoleucine.
Molecular consequence: missense variant.
Genome position (GRCh38, 1-based): chr11:108,169,812, C>A on the plus strand (G>T on the coding strand, the complement: NPAT is on the minus strand). VCF-style: chr11-108169812-C-A. GRCh37 (hg19) VCF-style: chr11-108040539-C-A.
Other names: c.2942G>T, p.Ser981Ile (NM_001321307.1); short protein forms S981I.
Identifiers: ClinVar variation 3222565 (VCV003222565.1), dbSNP rs2496710794, ClinGen allele CA382511896.